The following is an entry in ClinVar:

ClinVar aggregate classification (germline): Pathogenic. Review status: criteria provided, single submitter (1 of 4 stars). 2 submissions from 2 submitters: Pathogenic (1). 1 of the submissions does not count toward it. Last evaluated 2022-12-16.

Conditions:
Amelocerebrohypohidrotic syndrome (KTZS). Also called: EPILEPSY AND YELLOW TEETH; EPILEPSY, DEMENTIA, AND AMELOGENESIS IMPERFECTA; KOHLSCHUTTER SYNDROME; Kohlschutter's syndrome. Identifiers: Orphanet 1946, MedGen C0406740, MONDO:0009185, OMIM 226750.

Allele frequency attached by ClinVar (database versions not stated): TOPMed 0.00001.
gnomAD v4.1: 2 of 1,612,334 alleles (0.00012%); highest among the groups gnomAD compares: Non-Finnish European, 0.00017%; no homozygotes.

Submissions (2):

Institute of Human Genetics, University of Leipzig Medical Center
Classification: Pathogenic for Amelocerebrohypohidrotic syndrome. Last evaluated: 2022-12-16. Review status: criteria provided, single submitter. Criteria: ACMG Guidelines, 2015. Collection method: clinical testing. Allele origin: unknown. Affected: yes.
Comment: This variant was identified as compound heterozygous with NM_024589.3:c.531+5G>C._x000D_ Criteria applied: PVS1, PM3_VSTR, PM2_SUP

OMIM
Classification: Pathogenic for KOHLSCHUTTER-TONZ SYNDROME. Last evaluated: 2019-09-13. Review status: no assertion criteria provided. Collection method: literature only. Allele origin: germline. Not counted in ClinVar's aggregate classification.

Literature cited by the submitters: Schossig, A., Wolf, N., Koch, M. J., Bast, T., Hoffmann, G. F., Zschocke, J., Kohlschutter, A. Epileptische Enzephalopathie und Zahnschmelzdefekt (Kohlschutter-Tonz-Syndrom): Drei Fallberichte und Literaturubersicht. Med. Genetik 4: 422-426, 2007. (cited by OMIM).

NM_024589.3(ROGDI):c.532-2A>T

Gene: ROGDI (rogdi atypical leucine zipper; minus strand). Cytogenetic location: 16p13.3.
Variant type: single nucleotide variant.
Coding change: c.532-2A>T on transcript NM_024589.3 (MANE Select); the canonical splice acceptor site of the intron before coding-DNA position 532, A replaced by T.
Molecular consequence: splice acceptor variant.
Genome position (GRCh38, 1-based): chr16:4,798,186, T>A on the plus strand (A>T on the coding strand, the complement: ROGDI is on the minus strand). VCF-style: chr16-4798186-T-A. GRCh37 (hg19) VCF-style: chr16-4848187-T-A.
Other names: IVS7AS, A-T, -2.
Identifiers: ClinVar variation 31228 (VCV000031228.4), dbSNP rs786205119, ClinGen allele CA129777.
Genomic context (GRCh38, chr16:4,798,186, plus strand): 5'-TTGAGGTTGATGTAGACGTTGACCAGCAGGTCGGACGGCAGGGCAGGGGCGAACATCCGC[T>A]GCGGGAGGCAGGTGGGATGAGGCCCTCGCAAGCCCCCAGCCCAGGCTGGATGGAGCGGGG-3'